The following is an entry in ClinVar:

ClinVar aggregate classification (germline): Uncertain significance (1 of 4 stars; one submission).

Submission:

Labcorp Genetics (formerly Invitae), Labcorp
Classification: Uncertain significance. Last evaluated: 2023-11-27. Review status: criteria provided, single submitter. Criteria: Invitae Variant Classification Sherloc (09022015). Collection method: clinical testing. Allele origin: germline.
Comment: This sequence change replaces glutamic acid, which is acidic and polar, with alanine, which is neutral and non-polar, at codon 248 of the NEXMIF protein (p.Glu248Ala). This variant is not present in population databases (gnomAD no frequency). This variant has not been reported in the literature in individuals affected with NEXMIF-related conditions. ClinVar contains an entry for this variant (Variation ID: 2023643). An algorithm developed to predict the effect of missense changes on protein structure and function (PolyPhen-2) suggests that this variant is likely to be disruptive. In summary, the available evidence is currently insufficient to determine the role of this variant in disease. Therefore, it has been classified as a Variant of Uncertain Significance.

NM_001008537.3(NEXMIF):c.743A>C (p.Glu248Ala)

Gene: NEXMIF (neurite extension and migration factor; minus strand). Cytogenetic location: Xq13.3.
Variant type: single nucleotide variant.
Coding change: c.743A>C on transcript NM_001008537.3 (MANE Select); coding-DNA position 743, A replaced by C.
Protein change: p.Glu248Ala; replaces glutamic acid 248 with alanine.
Molecular consequence: missense variant.
Genome position (GRCh38, 1-based): chrX:74,743,814, T>G on the plus strand (A>C on the coding strand, the complement: NEXMIF is on the minus strand). VCF-style: chrX-74743814-T-G. GRCh37 (hg19) VCF-style: chrX-73963649-T-G.
Other names: short protein forms E248A.
Identifiers: ClinVar variation 2023643 (VCV002023643.4), dbSNP rs2519916258, ClinGen allele CA413672633.